The following is an entry in ClinVar:

ClinVar aggregate classification (germline): Uncertain significance (1 of 4 stars; one submission).

Submission:

GeneDx
Classification: Uncertain significance. Last evaluated: 2023-04-26. Review status: criteria provided, single submitter. Criteria: GeneDx Variant Classification Process June 2021. Collection method: clinical testing. Allele origin: germline. Affected: yes.
Comment: Not observed at significant frequency in large population cohorts (gnomAD); In silico analysis supports that this missense variant has a deleterious effect on protein structure/function; Has not been previously published as pathogenic or benign to our knowledge

NM_000742.4(CHRNA2):c.1523T>C (p.Phe508Ser)

Gene: CHRNA2 (cholinergic receptor nicotinic alpha 2 subunit; minus strand). Cytogenetic location: 8p21.2.
Variant type: single nucleotide variant.
Coding change: c.1523T>C on transcript NM_000742.4 (MANE Select); coding-DNA position 1523, T replaced by C.
Protein change: p.Phe508Ser; replaces phenylalanine 508 with serine.
Molecular consequence: missense variant.
Genome position (GRCh38, 1-based): chr8:27,461,696, A>G on the plus strand (T>C on the coding strand, the complement: CHRNA2 is on the minus strand). VCF-style: chr8-27461696-A-G. GRCh37 (hg19) VCF-style: chr8-27319213-A-G.
Other names: c.1478T>C, p.Phe493Ser (NM_001282455.2); c.1046T>C, p.Phe349Ser (NM_001347705.2, NM_001347706.2); c.929T>C, p.Phe310Ser (NM_001347707.2, NM_001347708.2); short protein forms F310S, F349S, F493S, F508S.
Identifiers: ClinVar variation 3253421 (VCV003253421.1), dbSNP rs2490524406.